The following is an entry in ClinVar:

NM_005297.4(MCHR1):c.196G>A (p.Val66Met)

Gene: MCHR1 (melanin concentrating hormone receptor 1; plus strand). Cytogenetic location: 22q13.2.
Variant type: single nucleotide variant.
Coding change: c.196G>A on transcript NM_005297.4 (MANE Select); coding-DNA position 196, G replaced by A.
Protein change: p.Val66Met; replaces valine 66 with methionine.
Molecular consequence: missense variant.
Genome position (GRCh38, 1-based): chr22:40,681,062, G>A. VCF-style: chr22-40681062-G-A. GRCh37 (hg19) VCF-style: chr22-41077066-G-A.
Other names: short protein forms V66M.
Identifiers: ClinVar variation 2365288 (VCV002365288.4), dbSNP rs143942609, ClinGen allele CA10250212.
Genomic context (GRCh38, chr22:40,681,062, plus strand): 5'-GTGTTCGGCACCATCTGCCTCCTGGGCATCATCGGGAACTCCACGGTCATCTTCGCGGTC[G>A]TGAAGAAGTCCAAGCTGCACTGGTGCAACAACGTCCCCGACATCTTCATCATCAACCTCT-3'
Protein context (NP_005288.4, residues 56-76): IGNSTVIFAV[Val66Met]KKSKLHWCNN

ClinVar aggregate classification (germline): Uncertain significance. Review status: criteria provided, multiple submitters, no conflicts (2 of 4 stars). 2 submissions from 2 submitters: Uncertain significance (2). Last evaluated 2024-12-25.

Conditions:
MCHR1-related disorder. Also called: MCHR1-related condition.

Allele frequency attached by ClinVar (database versions not stated): ESP Exome Variant Server 0.00008; ExAC 0.00019; TOPMed 0.00027; gnomAD 0.00029; gnomAD exomes 0.00043.

Submissions (2):

Ambry Genetics
Classification: Uncertain significance. Last evaluated: 2024-12-25. Review status: criteria provided, single submitter. Criteria: Ambry Variant Classification Scheme 2023. Collection method: clinical testing. Allele origin: germline.

PreventionGenetics, part of Exact Sciences
Classification: Uncertain significance for MCHR1-related condition. Last evaluated: 2023-07-14. Review status: criteria provided, single submitter. Criteria: ACMG Guidelines, 2015. Collection method: clinical testing. Allele origin: germline.
Comment: The MCHR1 c.403G>A variant is predicted to result in the amino acid substitution p.Val135Met. To our knowledge, this variant has not been reported in the literature. This variant is reported in 0.047% of alleles in individuals of European (Non-Finnish) descent in gnomAD. At this time, the clinical significance of this variant is uncertain due to the absence of conclusive functional and genetic evidence.